The following is an entry in ClinVar:

NM_005876.5(SPEG):c.383T>C (p.Val128Ala)

Gene: SPEG (striated muscle enriched protein kinase; plus strand). Cytogenetic location: 2q35.
Variant type: single nucleotide variant.
Coding change: c.383T>C on transcript NM_005876.5 (MANE Select); coding-DNA position 383, T replaced by C.
Protein change: p.Val128Ala; replaces valine 128 with alanine.
Molecular consequence: missense variant.
Genome position (GRCh38, 1-based): chr2:219,435,360, T>C. VCF-style: chr2-219435360-T-C. GRCh37 (hg19) VCF-style: chr2-220300082-T-C.
Other names: short protein forms V128A.
Identifiers: ClinVar variation 1943145 (VCV001943145.3), dbSNP rs1245452573, ClinGen allele CA350704430.

ClinVar aggregate classification (germline): Uncertain significance (1 of 4 stars; one submission).

Allele frequency attached by ClinVar (database versions not stated): gnomAD exomes below 0.00001; TOPMed below 0.00001; gnomAD 0.00001.
gnomAD v4.1: 2 of 1,534,238 alleles (0.00013%); highest among the groups gnomAD compares: Admixed American, 0.0039%; no homozygotes.

Submission:

Labcorp Genetics (formerly Invitae), Labcorp
Classification: Uncertain significance. Last evaluated: 2022-05-19. Review status: criteria provided, single submitter. Criteria: Invitae Variant Classification Sherloc (09022015). Collection method: clinical testing. Allele origin: germline.
Comment: In summary, the available evidence is currently insufficient to determine the role of this variant in disease. Therefore, it has been classified as a Variant of Uncertain Significance. This variant is not present in population databases (gnomAD no frequency). This variant has not been reported in the literature in individuals affected with SPEG-related conditions. Algorithms developed to predict the effect of missense changes on protein structure and function are either unavailable or do not agree on the potential impact of this missense change (SIFT: "Deleterious"; PolyPhen-2: "Benign"; Align-GVGD: "Class C0"). Algorithms developed to predict the effect of sequence changes on RNA splicing suggest that this variant may disrupt the consensus splice site. This sequence change replaces valine, which is neutral and non-polar, with alanine, which is neutral and non-polar, at codon 128 of the SPEG protein (p.Val128Ala).